The following is an entry in ClinVar:

ClinVar aggregate classification (germline): Uncertain significance (1 of 4 stars; one submission).

Conditions:
Cardiovascular phenotype. Identifiers: MedGen CN230736.

Submission:

Ambry Genetics
Classification: Uncertain significance for Cardiovascular phenotype. Last evaluated: 2022-08-01. Review status: criteria provided, single submitter. Criteria: Ambry Variant Classification Scheme 2023. Collection method: clinical testing. Allele origin: germline.
Comment: The p.P67S variant (also known as c.199C>T), located in coding exon 1 of the NKX2-5 gene, results from a C to T substitution at nucleotide position 199. The proline at codon 67 is replaced by serine, an amino acid with similar properties. This amino acid position is conserved. In addition, this alteration is predicted to be tolerated by in silico analysis. Since supporting evidence is limited at this time, the clinical significance of this alteration remains unclear.

NM_004387.4(NKX2-5):c.199C>T (p.Pro67Ser)

Gene: NKX2-5 (NK2 homeobox 5; minus strand). Cytogenetic location: 5q35.1.
Variant type: single nucleotide variant.
Coding change: c.199C>T on transcript NM_004387.4 (MANE Select); coding-DNA position 199, C replaced by T.
Protein change: p.Pro67Ser; replaces proline 67 with serine.
Molecular consequence: missense variant.
Genome position (GRCh38, 1-based): chr5:173,234,885, G>A on the plus strand (C>T on the coding strand, the complement: NKX2-5 is on the minus strand). VCF-style: chr5-173234885-G-A. GRCh37 (hg19) VCF-style: chr5-172661888-G-A.
Other names: c.199C>T, p.Pro67Ser (NM_001166175.2, NM_001166176.2); short protein forms P67S.
Identifiers: ClinVar variation 1784132 (VCV001784132.2), dbSNP rs2480079901, ClinGen allele CA362163494.
Genomic context (GRCh38, chr5:173,234,885, plus strand): 5'-GAAAGGCAGACGCACACTTGGCCGGTGAAGGCGCGCGGCCCAGCTCTGCGCGCAGCTCTG[G>A]GAGGCCCGGCGCAGCCGCCTCGGGCCCAGCGTAGGCCTCTGGCTTGAAGGCGGCCAGCAT-3'
Protein context (NP_004378.1, residues 57-77): AGPEAAAPGL[Pro67Ser]ELRAELGRAP